The following is an entry in ClinVar:

NM_144687.4(NLRP12):c.428G>A (p.Arg143His)

Gene: NLRP12 (NLR family pyrin domain containing 12; minus strand). Cytogenetic location: 19q13.42.
Variant type: single nucleotide variant.
Coding change: c.428G>A on transcript NM_144687.4 (MANE Select); coding-DNA position 428, G replaced by A.
Protein change: p.Arg143His; replaces arginine 143 with histidine.
Molecular consequence: missense variant.
Genome position (GRCh38, 1-based): chr19:53,811,231, C>T on the plus strand (G>A on the coding strand, the complement: NLRP12 is on the minus strand). VCF-style: chr19-53811231-C-T. GRCh37 (hg19) VCF-style: chr19-54314485-C-T.
Other names: c.428G>A, p.Arg143His (NM_001277126.2, NM_001277129.1); short protein forms R143H.
Identifiers: ClinVar variation 1054210 (VCV001054210.9), dbSNP rs760185291, ClinGen allele CA9639712.

ClinVar aggregate classification (germline): Uncertain significance (1 of 4 stars; one submission).

Conditions:
Familial cold autoinflammatory syndrome 2 (FCAS2). Identifiers: Orphanet 247868, MedGen C2673198, MONDO:0012724, OMIM 611762.

Allele frequency attached by ClinVar (database versions not stated): TOPMed below 0.00001; gnomAD 0.00001; ExAC 0.00002.
gnomAD v4.1: 9 of 1,613,936 alleles (0.00056%); highest among the groups gnomAD compares: Non-Finnish European, 0.00076%; no homozygotes.

Submission:

Labcorp Genetics (formerly Invitae), Labcorp
Classification: Uncertain significance for Familial cold autoinflammatory syndrome 2. Last evaluated: 2025-12-01. Review status: criteria provided, single submitter. Criteria: Invitae Variant Classification Sherloc (09022015). Collection method: clinical testing. Allele origin: germline.
Comment: This sequence change replaces arginine, which is basic and polar, with histidine, which is basic and polar, at codon 143 of the NLRP12 protein (p.Arg143His). This variant is present in population databases (rs760185291, gnomAD 0.002%). This variant has not been reported in the literature in individuals affected with NLRP12-related conditions. ClinVar contains an entry for this variant (Variation ID: 1054210). Invitae Evidence Modeling of protein sequence and biophysical properties (such as structural, functional, and spatial information, amino acid conservation, physicochemical variation, residue mobility, and thermodynamic stability) indicates that this missense variant is not expected to disrupt NLRP12 protein function with a negative predictive value of 80%. In summary, the available evidence is currently insufficient to determine the role of this variant in disease. Therefore, it has been classified as a Variant of Uncertain Significance.